The following is an entry in ClinVar:

ClinVar aggregate classification (germline): Uncertain significance (1 of 4 stars; one submission).

Conditions:
Hypertrophic cardiomyopathy. Also called: HYPERTROPHIC MYOCARDIOPATHY. Identifiers: Orphanet 217569, MedGen C0007194, MeSH D002312, MONDO:0005045, HP:0001639.

gnomAD v4.1: 2 of 1,613,886 alleles (0.00012%); highest among the groups gnomAD compares: East Asian, 0.0022%; no homozygotes.

Submission:

Labcorp Genetics (formerly Invitae), Labcorp
Classification: Uncertain significance for Hypertrophic cardiomyopathy. Last evaluated: 2025-02-27. Review status: criteria provided, single submitter. Criteria: Invitae Variant Classification Sherloc (09022015). Collection method: clinical testing. Allele origin: germline.
Comment: This sequence change replaces serine, which is neutral and polar, with tyrosine, which is neutral and polar, at codon 645 of the MYOM1 protein (p.Ser645Tyr). This variant is not present in population databases (gnomAD no frequency). This variant has not been reported in the literature in individuals affected with MYOM1-related conditions. Invitae Evidence Modeling of protein sequence and biophysical properties (such as structural, functional, and spatial information, amino acid conservation, physicochemical variation, residue mobility, and thermodynamic stability) indicates that this missense variant is not expected to disrupt MYOM1 protein function with a negative predictive value of 80%. In summary, the available evidence is currently insufficient to determine the role of this variant in disease. Therefore, it has been classified as a Variant of Uncertain Significance.

NM_003803.4(MYOM1):c.1934C>A (p.Ser645Tyr)

Gene: MYOM1 (myomesin 1; minus strand). Cytogenetic location: 18p11.31.
Variant type: single nucleotide variant.
Coding change: c.1934C>A on transcript NM_003803.4 (MANE Select); coding-DNA position 1934, C replaced by A.
Protein change: p.Ser645Tyr; replaces serine 645 with tyrosine.
Molecular consequence: missense variant.
Genome position (GRCh38, 1-based): chr18:3,142,030, G>T on the plus strand (C>A on the coding strand, the complement: MYOM1 is on the minus strand). VCF-style: chr18-3142030-G-T. GRCh37 (hg19) VCF-style: chr18-3142028-G-T.
Other names: c.1934C>A, p.Ser645Tyr (NM_019856.2); short protein forms S645Y.
Identifiers: ClinVar variation 4741828 (VCV004741828.1).